The following is an entry in ClinVar:

ClinVar aggregate classification (germline): Uncertain significance (1 of 4 stars; one submission).

Conditions:
Hypertrophic cardiomyopathy. Also called: HYPERTROPHIC MYOCARDIOPATHY. Identifiers: Orphanet 217569, MedGen C0007194, MeSH D002312, MONDO:0005045, HP:0001639.

Submission:

Labcorp Genetics (formerly Invitae), Labcorp
Classification: Uncertain significance for Hypertrophic cardiomyopathy. Last evaluated: 2023-01-17. Review status: criteria provided, single submitter. Criteria: Invitae Variant Classification Sherloc (09022015). Collection method: clinical testing. Allele origin: germline.
Comment: This variant has not been reported in the literature in individuals affected with JPH2-related conditions. This variant is not present in population databases (gnomAD no frequency). This sequence change replaces alanine, which is neutral and non-polar, with valine, which is neutral and non-polar, at codon 273 of the JPH2 protein (p.Ala273Val). In summary, the available evidence is currently insufficient to determine the role of this variant in disease. Therefore, it has been classified as a Variant of Uncertain Significance. Algorithms developed to predict the effect of missense changes on protein structure and function (SIFT, PolyPhen-2, Align-GVGD) all suggest that this variant is likely to be tolerated.

NM_020433.5(JPH2):c.818C>T (p.Ala273Val)

Gene: JPH2 (junctophilin 2; minus strand). Cytogenetic location: 20q13.12.
Variant type: single nucleotide variant.
Coding change: c.818C>T on transcript NM_020433.5 (MANE Select); coding-DNA position 818, C replaced by T.
Protein change: p.Ala273Val; replaces alanine 273 with valine.
Molecular consequence: missense variant.
Genome position (GRCh38, 1-based): chr20:44,159,969, G>A on the plus strand (C>T on the coding strand, the complement: JPH2 is on the minus strand). VCF-style: chr20-44159969-G-A. GRCh37 (hg19) VCF-style: chr20-42788609-G-A.
Other names: short protein forms A273V.
Identifiers: ClinVar variation 2829413 (VCV002829413.3), dbSNP rs2515744667, ClinGen allele CA409093607.